The following is an entry in ClinVar:

ClinVar aggregate classification (germline): Uncertain significance (0 of 4 stars; one submission).

Conditions:
CEP290-related disorder. Also called: CEP290-related condition; CEP290-related disorders. Identifiers: MedGen CN239314.

gnomAD v4.1: 2 of 1,541,714 alleles (0.00013%); highest among the groups gnomAD compares: Non-Finnish European, 0.00017%; no homozygotes.

Submission:

PreventionGenetics, part of Exact Sciences
Classification: Uncertain significance for CEP290-related condition. Last evaluated: 2024-07-01. Review status: no assertion criteria provided. Collection method: clinical testing. Allele origin: germline.
Comment: The CEP290 c.908T>C variant is predicted to result in the amino acid substitution p.Met303Thr. To our knowledge, this variant has not been reported in the literature or in a large population database, indicating this variant is rare. At this time, the clinical significance of this variant is uncertain due to the absence of conclusive functional and genetic evidence.

NM_025114.4(CEP290):c.908T>C (p.Met303Thr)

Gene: CEP290 (centrosomal protein 290; minus strand). Cytogenetic location: 12q21.32.
Variant type: single nucleotide variant.
Coding change: c.908T>C on transcript NM_025114.4 (MANE Select); coding-DNA position 908, T replaced by C.
Protein change: p.Met303Thr; replaces methionine 303 with threonine.
Molecular consequence: missense variant.
Genome position (GRCh38, 1-based): chr12:88,128,980, A>G on the plus strand (T>C on the coding strand, the complement: CEP290 is on the minus strand). VCF-style: chr12-88128980-A-G. GRCh37 (hg19) VCF-style: chr12-88522757-A-G.
Other names: short protein forms M303T.
Identifiers: ClinVar variation 3353482 (VCV003353482.1).